The following is an entry in ClinVar:

ClinVar aggregate classification (germline): Uncertain significance (1 of 4 stars; one submission).

Conditions:
Noonan syndrome 9 (NS9). Identifiers: Orphanet 648, MedGen C4225282, MONDO:0014691, OMIM 616559.

Submission:

Labcorp Genetics (formerly Invitae), Labcorp
Classification: Uncertain significance for Noonan syndrome 9. Last evaluated: 2024-01-15. Review status: criteria provided, single submitter. Criteria: Invitae Variant Classification Sherloc (09022015). Collection method: clinical testing. Allele origin: germline.
Comment: This sequence change replaces glutamine, which is neutral and polar, with histidine, which is basic and polar, at codon 391 of the SOS2 protein (p.Gln391His). This variant is not present in population databases (gnomAD no frequency). This variant has not been reported in the literature in individuals affected with SOS2-related conditions. ClinVar contains an entry for this variant (Variation ID: 2198826). Advanced modeling of protein sequence and biophysical properties (such as structural, functional, and spatial information, amino acid conservation, physicochemical variation, residue mobility, and thermodynamic stability) performed at Invitae indicates that this missense variant is not expected to disrupt SOS2 protein function with a negative predictive value of 80%. In summary, the available evidence is currently insufficient to determine the role of this variant in disease. Therefore, it has been classified as a Variant of Uncertain Significance.

NM_006939.4(SOS2):c.1173G>T (p.Gln391His)

Gene: SOS2 (SOS Ras/Rho guanine nucleotide exchange factor 2; minus strand). Cytogenetic location: 14q21.3.
Variant type: single nucleotide variant.
Coding change: c.1173G>T on transcript NM_006939.4 (MANE Select); coding-DNA position 1173, G replaced by T.
Protein change: p.Gln391His; replaces glutamine 391 with histidine.
Molecular consequence: missense variant.
Genome position (GRCh38, 1-based): chr14:50,161,505, C>A on the plus strand (G>T on the coding strand, the complement: SOS2 is on the minus strand). VCF-style: chr14-50161505-C-A. GRCh37 (hg19) VCF-style: chr14-50628223-C-A.
Other names: c.1074G>T, p.Gln358His (NM_001411020.1); short protein forms Q358H, Q391H.
Identifiers: ClinVar variation 2198826 (VCV002198826.4), dbSNP rs909240238, ClinGen allele CA260737475.